The following is an entry in ClinVar:

ClinVar aggregate classification (germline): Conflicting classifications of pathogenicity. Review status: criteria provided, conflicting classifications (1 of 4 stars). 3 submissions from 3 submitters: Uncertain significance (1); Likely benign (2). Last evaluated 2026-01-18.

Conditions:
Inborn genetic diseases. Identifiers: MedGen C0950123, MeSH D030342.
Congenital disorder of deglycosylation (CDDG). Identifiers: MedGen C3808991, MONDO:0031376.

Allele frequency attached by ClinVar (database versions not stated): ESP Exome Variant Server 0.00008; TOPMed 0.00010; gnomAD 0.00013; ExAC 0.00018.
gnomAD v4.1: 230 of 1,613,650 alleles (0.014%); highest among the groups gnomAD compares: Non-Finnish European, 0.0044%; 1 homozygote.

Submissions (3):

Labcorp Genetics (formerly Invitae), Labcorp
Classification: Likely benign for Congenital disorder of deglycosylation. Last evaluated: 2026-01-18. Review status: criteria provided, single submitter. Criteria: Invitae Variant Classification Sherloc (09022015). Collection method: clinical testing. Allele origin: germline.

GeneDx
Classification: Uncertain significance. Last evaluated: 2025-05-28. Review status: criteria provided, single submitter. Criteria: GeneDx Variant Classification Process June 2021. Collection method: clinical testing. Allele origin: germline. Affected: yes.
Comment: In silico analysis suggests that this missense variant does not alter protein structure/function; Has not been previously published as pathogenic or benign to our knowledge

Ambry Genetics
Classification: Likely benign for Inborn genetic diseases. Last evaluated: 2022-01-05. Review status: criteria provided, single submitter. Criteria: Ambry Variant Classification Scheme 2023. Collection method: clinical testing. Allele origin: germline.

NM_018297.4(NGLY1):c.1333A>C (p.Ile445Leu)

Gene: NGLY1 (N-glycanase 1; minus strand). Cytogenetic location: 3p24.2.
Variant type: single nucleotide variant.
Coding change: c.1333A>C on transcript NM_018297.4 (MANE Select); coding-DNA position 1333, A replaced by C.
Protein change: p.Ile445Leu; replaces isoleucine 445 with leucine.
Molecular consequence: missense variant.
Genome position (GRCh38, 1-based): chr3:25,732,411, T>G on the plus strand (A>C on the coding strand, the complement: NGLY1 is on the minus strand). VCF-style: chr3-25732411-T-G. GRCh37 (hg19) VCF-style: chr3-25773902-T-G.
Other names: c.1279A>C, p.Ile427Leu (NM_001145293.2); c.1207A>C, p.Ile403Leu (NM_001145294.2); c.1333A>C, p.Ile445Leu (NM_001145295.2); short protein forms I445L, I403L, I427L.
Identifiers: ClinVar variation 541257 (VCV000541257.19), dbSNP rs144144643, ClinGen allele CA2289186.